The following is an entry in ClinVar:

NM_015665.6(AAAS):c.612T>C (p.Leu204=)

Gene: AAAS (aladin WD repeat nucleoporin; minus strand). Cytogenetic location: 12q13.13.
Variant type: single nucleotide variant.
Coding change: c.612T>C on transcript NM_015665.6 (MANE Select); coding-DNA position 612, T replaced by C.
Protein change: p.Leu204=; no amino-acid change (leucine 204 retained).
Molecular consequence: synonymous variant.
Genome position (GRCh38, 1-based): chr12:53,314,375, A>G on the plus strand (T>C on the coding strand, the complement: AAAS is on the minus strand). VCF-style: chr12-53314375-A-G. GRCh37 (hg19) VCF-style: chr12-53708159-A-G.
Other names: p.Leu204=; c.513T>C, p.Leu171= (NM_001173466.2).
Identifiers: ClinVar variation 4683755 (VCV004683755.1).

ClinVar aggregate classification (germline): Likely benign (1 of 4 stars; one submission).

Submission:

Mayo Clinic Laboratories, Mayo Clinic
Classification: Likely benign. Last evaluated: 2025-06-04. Review status: criteria provided, single submitter. Criteria: ACMG Guidelines, 2015. Collection method: clinical testing. Allele origin: germline. Observed: 1 variant allele.
Comment: BP4, BP7